The following is an entry in ClinVar:

ClinVar aggregate classification (germline): Uncertain significance. Review status: criteria provided, multiple submitters, no conflicts (2 of 4 stars). 2 submissions from 2 submitters: Uncertain significance (2). Last evaluated 2024-03-01.

Conditions:
Hereditary cancer-predisposing syndrome. Also called: Hereditary Cancer Syndrome; Neoplastic Syndromes, Hereditary; Tumor predisposition; Hereditary neoplastic syndrome. Identifiers: Orphanet 140162, MedGen C0027672, MeSH D009386, MONDO:0015356.

Submissions (2):

Ambry Genetics
Classification: Uncertain significance for Hereditary cancer-predisposing syndrome. Last evaluated: 2024-03-01. Review status: criteria provided, single submitter. Criteria: Ambry Variant Classification Scheme 2023. Collection method: clinical testing. Allele origin: germline.
Comment: The p.P1594Q variant (also known as c.4781C>A), located in coding exon 14 of the BRCA1 gene, results from a C to A substitution at nucleotide position 4781. The proline at codon 1594 is replaced by glutamine, an amino acid with similar properties. This amino acid position is well conserved in available vertebrate species. In addition, the in silico prediction for this alteration is inconclusive. Based on the available evidence, the clinical significance of this alteration remains unclear.

Color Diagnostics, LLC DBA Color Health
Classification: Uncertain significance for Hereditary cancer-predisposing syndrome. Last evaluated: 2019-03-21. Review status: criteria provided, single submitter. Criteria: ACMG Guidelines, 2015. Collection method: clinical testing. Allele origin: germline.

NM_007294.4(BRCA1):c.4781C>A (p.Pro1594Gln)

Gene: BRCA1 (BRCA1 DNA repair associated; minus strand). Cytogenetic location: 17q21.31.
Variant type: single nucleotide variant.
Coding change: c.4781C>A on transcript NM_007294.4 (MANE Select); coding-DNA position 4781, C replaced by A.
Protein change: p.Pro1594Gln; replaces proline 1594 with glutamine.
Molecular consequence: missense variant. On other transcripts: non-coding transcript variant (1).
Genome position (GRCh38, 1-based): chr17:43,071,133, G>T on the plus strand (C>A on the coding strand, the complement: BRCA1 is on the minus strand). VCF-style: chr17-43071133-G-T. GRCh37 (hg19) VCF-style: chr17-41223150-G-T.
Other names: c.4445C>A, p.Pro1482Gln (NM_001407951.1, NM_001407953.1, NM_001407954.1 and 3 more transcripts); c.4442C>A, p.Pro1481Gln (NM_001407956.1, NM_001407957.1, NM_001407958.1); c.4640C>A, p.Pro1547Gln (NM_001407697.1, NM_001407698.1, NM_001407724.1 and 13 more transcripts); c.4637C>A, p.Pro1546Gln (NM_001407732.1, NM_001407733.1, NM_001407734.1 and 21 more transcripts); c.4634C>A, p.Pro1545Gln (NM_001407838.1, NM_001407839.1, NM_001407841.1 and 12 more transcripts); c.4781C>A, p.Pro1594Gln (NM_001407854.1, NM_001407593.1, NM_001407594.1 and 8 more transcripts); c.4778C>A, p.Pro1593Gln (NM_001407858.1, NM_001407859.1, NM_001407860.1 and 17 more transcripts); c.4775C>A, p.Pro1592Gln (NM_001407861.1, NM_001407627.1, NM_001407628.1 and 14 more transcripts); and 70 more; short protein forms P1594Q, P490Q, P1547Q, P1615Q, P1440Q, P1465Q, P1467Q, P1483Q.
Identifiers: ClinVar variation 489724 (VCV000489724.6), dbSNP rs1301724072, ClinGen allele CA10591954.